The following is an entry in ClinVar:

NM_001170629.2(CHD8):c.5503C>G (p.Leu1835Val)

Gene: CHD8 (chromodomain helicase DNA binding protein 8; minus strand). Cytogenetic location: 14q11.2.
Variant type: single nucleotide variant.
Coding change: c.5503C>G on transcript NM_001170629.2 (MANE Select); coding-DNA position 5503, C replaced by G.
Protein change: p.Leu1835Val; replaces leucine 1835 with valine.
Molecular consequence: missense variant.
Genome position (GRCh38, 1-based): chr14:21,394,373, G>C on the plus strand (C>G on the coding strand, the complement: CHD8 is on the minus strand). VCF-style: chr14-21394373-G-C. GRCh37 (hg19) VCF-style: chr14-21862532-G-C.
Other names: c.4666C>G, p.Leu1556Val (NM_020920.4); short protein forms L1556V, L1835V.
Identifiers: ClinVar variation 1699638 (VCV001699638.3), dbSNP rs1161553064, ClinGen allele CA388883164.
Genomic context (GRCh38, chr14:21,394,373, plus strand): 5'-GGCACATGGCCACAAAGCCATGGAAGTACTTGGTAAGGCTTTCATCTGTCTTTTTGTCTA[G>C]TCGAGCAAAAGTGCGGAAGCGATCCCAATGGAACTGCATGGTGTCAGGGTCATATTCCAC-3'
Protein context (NP_001164100.1, residues 1825-1845): HWDRFRTFAR[Leu1835Val]DKKTDESLTK

ClinVar aggregate classification (germline): Uncertain significance (1 of 4 stars; one submission).

Submission:

GeneDx
Classification: Uncertain significance. Last evaluated: 2025-05-03. Review status: criteria provided, single submitter. Criteria: GeneDx Variant Classification Process June 2021. Collection method: clinical testing. Allele origin: germline.
Comment: Not observed at significant frequency in large population cohorts (gnomAD); In silico analysis supports that this missense variant has a deleterious effect on protein structure/function; Has not been previously published as pathogenic or benign to our knowledge